The following is an entry in ClinVar:

NM_004385.5(VCAN):c.8333C>T (p.Pro2778Leu)

Genes: VCAN (versican; plus strand), VCAN-AS1 (VCAN antisense RNA 1; minus strand). Cytogenetic location: 5q14.3.
Variant type: single nucleotide variant.
Coding change: c.8333C>T on transcript NM_004385.5 (MANE Select); coding-DNA position 8333, C replaced by T.
Protein change: p.Pro2778Leu; replaces proline 2778 with leucine.
Molecular consequence: missense variant. On other transcripts: intron variant (2).
Genome position (GRCh38, 1-based): chr5:83,541,336, C>T. VCF-style: chr5-83541336-C-T. GRCh37 (hg19) VCF-style: chr5-82837155-C-T.
Other names: c.4004-4201C>T (NM_001164098.2); c.1043-4201C>T (NM_001126336.3); c.5372C>T, p.Pro1791Leu (NM_001164097.2); short protein forms P1791L, P2778L.
Identifiers: ClinVar variation 1948751 (VCV001948751.5), dbSNP rs749456848, ClinGen allele CA3333787.

ClinVar aggregate classification (germline): Uncertain significance (1 of 4 stars; one submission).

Allele frequency attached by ClinVar (database versions not stated): gnomAD exomes below 0.00001; ExAC 0.00002.
gnomAD v4.1: 1 of 1,614,042 alleles (0.000062%); highest among the groups gnomAD compares: Non-Finnish European, 0.000085%; no homozygotes.

Submission:

Labcorp Genetics (formerly Invitae), Labcorp
Classification: Uncertain significance. Last evaluated: 2022-07-19. Review status: criteria provided, single submitter. Criteria: Invitae Variant Classification Sherloc (09022015). Collection method: clinical testing. Allele origin: germline.
Comment: In summary, the available evidence is currently insufficient to determine the role of this variant in disease. Therefore, it has been classified as a Variant of Uncertain Significance. Algorithms developed to predict the effect of missense changes on protein structure and function are either unavailable or do not agree on the potential impact of this missense change (SIFT: "Deleterious"; PolyPhen-2: "Benign"; Align-GVGD: "Class C35"). This variant has not been reported in the literature in individuals affected with VCAN-related conditions. This variant is present in population databases (rs749456848, gnomAD 0.002%). This sequence change replaces proline, which is neutral and non-polar, with leucine, which is neutral and non-polar, at codon 2778 of the VCAN protein (p.Pro2778Leu).